The following is an entry in ClinVar:

ClinVar aggregate classification (germline): Uncertain significance. Review status: criteria provided, multiple submitters, no conflicts (2 of 4 stars). 2 submissions from 2 submitters: Uncertain significance (2). Last evaluated 2023-08-10.

Allele frequency attached by ClinVar (database versions not stated): gnomAD exomes 0.00001; TOPMed 0.00002; ExAC 0.00005.
gnomAD v4.1: 19 of 1,561,558 alleles (0.0012%); highest among the groups gnomAD compares: Admixed American, 0.015%; no homozygotes.

Submissions (2):

Labcorp Genetics (formerly Invitae), Labcorp
Classification: Uncertain significance. Last evaluated: 2023-08-10. Review status: criteria provided, single submitter. Criteria: Invitae Variant Classification Sherloc (09022015). Collection method: clinical testing. Allele origin: germline.
Comment: In summary, the available evidence is currently insufficient to determine the role of this variant in disease. Therefore, it has been classified as a Variant of Uncertain Significance. An algorithm developed to predict the effect of missense changes on protein structure and function (PolyPhen-2) suggests that this variant is likely to be tolerated. ClinVar contains an entry for this variant (Variation ID: 2353079). This variant has not been reported in the literature in individuals affected with DGKZ-related conditions. The frequency data for this variant in the population databases is considered unreliable, as metrics indicate poor data quality at this position in the gnomAD database. This sequence change replaces proline, which is neutral and non-polar, with leucine, which is neutral and non-polar, at codon 828 of the DGKZ protein (p.Pro828Leu).

Ambry Genetics
Classification: Uncertain significance. Last evaluated: 2021-08-12. Review status: criteria provided, single submitter. Criteria: Ambry Variant Classification Scheme 2023. Collection method: clinical testing. Allele origin: germline.

NM_001199267.2(DGKZ):c.1916C>T (p.Pro639Leu)

Gene: DGKZ (diacylglycerol kinase zeta; plus strand). Cytogenetic location: 11p11.2.
Variant type: single nucleotide variant.
Coding change: c.1916C>T on transcript NM_001199267.2 (MANE Select); coding-DNA position 1916, C replaced by T.
Protein change: p.Pro639Leu; replaces proline 639 with leucine.
Molecular consequence: missense variant.
Genome position (GRCh38, 1-based): chr11:46,375,859, C>T. VCF-style: chr11-46375859-C-T. GRCh37 (hg19) VCF-style: chr11-46397409-C-T.
Other names: c.2483C>T, p.Pro828Leu (NM_001105540.2); c.1919C>T, p.Pro640Leu (NM_001199266.2, NM_003646.4); c.1850C>T, p.Pro617Leu (NM_001199268.2); c.1967C>T, p.Pro656Leu (NM_201532.3); c.1931C>T, p.Pro644Leu (NM_201533.3); c.2483C>T (NM_001105540.1); short protein forms P617L, P639L, P640L, P644L, P656L, P828L.
Identifiers: ClinVar variation 2353079 (VCV002353079.8), dbSNP rs758608073, ClinGen allele CA5963005.